The following is an entry in ClinVar:

ClinVar aggregate classification (germline): Conflicting classifications of pathogenicity. Review status: criteria provided, conflicting classifications (1 of 4 stars). 4 submissions from 4 submitters: Uncertain significance (3); Likely benign (1). Last evaluated 2026-04-16.

Conditions:
Renal cell carcinoma. Identifiers: Orphanet 217071, MedGen C0007134, MeSH D002292, MONDO:0005086, HP:0005584.
Autosomal recessive nonsyndromic hearing loss 97. Also called: Deafness, autosomal recessive 97. Identifiers: Orphanet 90636, MedGen C4084709, MONDO:0014739, OMIM 616705.
Hereditary cancer-predisposing syndrome. Also called: Hereditary Cancer Syndrome; Tumor predisposition; Hereditary neoplastic syndrome; Neoplastic Syndromes, Hereditary. Identifiers: Orphanet 140162, MedGen C0027672, MeSH D009386, MONDO:0015356.

Allele frequency attached by ClinVar (database versions not stated): gnomAD exomes below 0.00001; TOPMed below 0.00001.
gnomAD v4.1: 2 of 1,598,078 alleles (0.00013%); highest among the groups gnomAD compares: African/African-American, 0.0027%; no homozygotes.

Submissions (4):

Ambry Genetics
Classification: Likely benign for Hereditary cancer-predisposing syndrome. Last evaluated: 2026-04-16. Review status: criteria provided, single submitter. Criteria: Ambry Variant Classification Scheme 2023. Collection method: clinical testing. Allele origin: germline.

GeneDx
Classification: Uncertain significance. Last evaluated: 2024-07-03. Review status: criteria provided, single submitter. Criteria: GeneDx Variant Classification Process June 2021. Collection method: clinical testing. Allele origin: germline. Affected: yes.
Comment: Not observed at significant frequency in large population cohorts (gnomAD); In silico analysis indicates that this missense variant does not alter protein structure/function; Has not been previously published as pathogenic or benign to our knowledge

Baylor Genetics
Classification: Uncertain significance for Autosomal recessive nonsyndromic hearing loss 97. Last evaluated: 2023-08-31. Review status: criteria provided, single submitter. Criteria: ACMG Guidelines, 2015. Collection method: clinical testing. Allele origin: unknown.

Labcorp Genetics (formerly Invitae), Labcorp
Classification: Uncertain significance for Renal cell carcinoma. Last evaluated: 2022-03-29. Review status: criteria provided, single submitter. Criteria: Invitae Variant Classification Sherloc (09022015). Collection method: clinical testing. Allele origin: germline.
Comment: In summary, the available evidence is currently insufficient to determine the role of this variant in disease. Therefore, it has been classified as a Variant of Uncertain Significance. Algorithms developed to predict the effect of missense changes on protein structure and function (SIFT, PolyPhen-2, Align-GVGD) all suggest that this variant is likely to be tolerated. ClinVar contains an entry for this variant (Variation ID: 454178). This variant has not been reported in the literature in individuals affected with MET-related conditions. This variant is present in population databases (no rsID available, gnomAD 0.007%). This sequence change replaces asparagine, which is neutral and polar, with serine, which is neutral and polar, at codon 379 of the MET protein (p.Asn379Ser).

NM_000245.4(MET):c.1136A>G (p.Asn379Ser)

Gene: MET (MET proto-oncogene, receptor tyrosine kinase; plus strand). Cytogenetic location: 7q31.2.
Variant type: single nucleotide variant.
Coding change: c.1136A>G on transcript NM_000245.4 (MANE Select); coding-DNA position 1136, A replaced by G.
Protein change: p.Asn379Ser; replaces asparagine 379 with serine.
Molecular consequence: missense variant. On other transcripts: intron variant (1).
Genome position (GRCh38, 1-based): chr7:116,700,220, A>G. VCF-style: chr7-116700220-A-G. GRCh37 (hg19) VCF-style: chr7-116340274-A-G.
Other names: c.1136A>G, p.Asn379Ser (NM_001127500.3, NM_001324401.3); c.-91+27643A>G (NM_001324402.2); short protein forms N379S.
Identifiers: ClinVar variation 454178 (VCV000454178.15), dbSNP rs1320718414, ClinGen allele CA368970617.
Genomic context (GRCh38, chr7:116,700,220, plus strand): 5'-GATCTGCCATGTGTGCATTCCCTATCAAATATGTCAACGACTTCTTCAACAAGATCGTCA[A>G]CAAAAACAATGTGAGATGTCTCCAGCATTTTTACGGACCCAATCATGAGCACTGCTTTAA-3'
Protein context (NP_000236.2, residues 369-389): YVNDFFNKIV[Asn379Ser]KNNVRCLQHF